The following is an entry in ClinVar:

ClinVar aggregate classification (germline): Pathogenic. Review status: criteria provided, multiple submitters, no conflicts (2 of 4 stars). 4 submissions from 4 submitters: Pathogenic (3). 1 of the submissions does not count toward it. Last evaluated 2025-07-11.

Conditions:
COL7A1-related disorder. Also called: COL7A1- related disorders; COL7A1-related condition.
Epidermolysis bullosa dystrophica. Also called: Dystrophic epidermolysis bullosa; Dystrophic epidermolysis bullosa, Hallopeau-Siemens type (formerly). Identifiers: Orphanet 303, MedGen C0079294, MONDO:0006543.
Generalized dominant dystrophic epidermolysis bullosa (DDEB). Also called: DDEB-gen; DYSTROPHIC EPIDERMOLYSIS BULLOSA, AUTOSOMAL DOMINANT; Epidermolysis bullosa dystrophica, autosomal dominant; Dominant DEB (DDEB); DDEB, generalized. Identifiers: Orphanet 231568, MedGen C0432322, MONDO:0007549, OMIM 131750.

Submissions (4):

Natera, Inc.
Classification: Pathogenic for Dystrophic epidermolysis bullosa. Last evaluated: 2025-07-11. Review status: criteria provided, single submitter. Criteria: Natera Variant Classification Schema (03/2026). Collection method: clinical testing. Allele origin: germline.
Comment: The c.6118G>A variant in COL7A1 is a missense variant predicted to cause substitution of glycine to serine at amino acid 2040. This variant is rare in the general population with a frequency below the threshold expected for the associated phenotype(s). This variant has been observed in affected individual(s) with monoallelic occurrence (heterozygous/hemizygous) (PMID: 8170945, 27899325). Additionally, this variant has been observed to segregate in affected family members (PMID: 8170945). This variant has been confirmed as or assumed to be a de novo occurrence in one or more affected individuals (PMID: 27899325). A different variant at the same position has been determined to be Pathogenic or Likely Pathogenic. Computational prediction algorithms indicate this variant is likely to affect gene or protein function. Given the available evidence, this variant is classified as Pathogenic.

Centre of Medical Genetics, University Hospital Muenster
Classification: Pathogenic for Generalized dominant dystrophic epidermolysis bullosa. Last evaluated: 2025-03-13. Review status: criteria provided, single submitter. Criteria: ACMG Guidelines, 2015. Collection method: clinical testing. Allele origin: unknown. Affected: yes. Observed: 1 variant allele, 1 heterozygote.
Comment: ACMG categories: PM1,PM2,PM5,PP1,PP2,PP3,PP4

Blueprint Genetics
Classification: Pathogenic for COL7A1-related disorders. Last evaluated: 2021-09-21. Review status: criteria provided, single submitter. Criteria: ACMG Guidelines, 2015. Collection method: clinical testing. Allele origin: germline. Affected: yes. Observed: 4 variant alleles.

OMIM
Classification: Pathogenic for EPIDERMOLYSIS BULLOSA DYSTROPHICA, AUTOSOMAL DOMINANT. Last evaluated: 1994-04-26. Review status: no assertion criteria provided. Collection method: literature only. Allele origin: germline. Not counted in ClinVar's aggregate classification.

Literature cited by the submitters: PubMed 8170945 (cited by Natera, Inc. and OMIM); PubMed 27899325 (cited by Natera, Inc.); PubMed 1680286 (cited by OMIM).

NM_000094.4(COL7A1):c.6118G>A (p.Gly2040Ser)

Gene: COL7A1 (collagen type VII alpha 1 chain; minus strand). Cytogenetic location: 3p21.31.
Variant type: single nucleotide variant.
Coding change: c.6118G>A on transcript NM_000094.4 (MANE Select); coding-DNA position 6118, G replaced by A.
Protein change: p.Gly2040Ser; replaces glycine 2040 with serine.
Molecular consequence: missense variant.
Genome position (GRCh38, 1-based): chr3:48,575,401, C>T on the plus strand (G>A on the coding strand, the complement: COL7A1 is on the minus strand). VCF-style: chr3-48575401-C-T. GRCh37 (hg19) VCF-style: chr3-48612834-C-T.
Other names: c.6118G>A (NM_000094.3); short protein forms G2040S.
Identifiers: ClinVar variation 17424 (VCV000017424.4), dbSNP rs121912829, ClinGen allele CA257935.